The following is an entry in ClinVar:

NM_000138.5(FBN1):c.3780G>A (p.Glu1260=)

Gene: FBN1 (fibrillin 1; minus strand). Cytogenetic location: 15q21.1.
Variant type: single nucleotide variant.
Coding change: c.3780G>A on transcript NM_000138.5 (MANE Select); coding-DNA position 3780, G replaced by A.
Protein change: p.Glu1260=; no amino-acid change (glutamic acid 1260 retained).
Molecular consequence: synonymous variant.
Genome position (GRCh38, 1-based): chr15:48,483,876, C>T on the plus strand (G>A on the coding strand, the complement: FBN1 is on the minus strand). VCF-style: chr15-48483876-C-T. GRCh37 (hg19) VCF-style: chr15-48776073-C-T.
Other names: c.3780G>A, p.Glu1260= (NM_001406716.1).
Identifiers: ClinVar variation 2773354 (VCV002773354.7), dbSNP rs1435501312, ClinGen allele CA490017068.

ClinVar aggregate classification (germline): Likely benign. Review status: criteria provided, multiple submitters, no conflicts (2 of 4 stars). 3 submissions from 3 submitters: Likely benign (3). Last evaluated 2025-03-13.

Conditions:
Marfan syndrome (MFS). Also called: FBN1-Related Marfan Syndrome; MARFAN SYNDROME, TYPE I; Marfan syndrome type 1; Marfan's syndrome; Marfan syndrome, classic. Identifiers: Orphanet 284963, Orphanet 558, MedGen C0024796, MONDO:0007947, OMIM 154700.
Familial thoracic aortic aneurysm and aortic dissection (TAAD). Also called: Thoracic aortic aneurysms and dissections. Identifiers: Orphanet 91387, MedGen C4707243, MONDO:0019625.

Allele frequency attached by ClinVar (database versions not stated): gnomAD exomes 0.00001.
gnomAD v4.1: 9 of 1,613,700 alleles (0.00056%); highest among the groups gnomAD compares: Non-Finnish European, 0.00068%; no homozygotes.

Submissions (3):

Labcorp Genetics (formerly Invitae), Labcorp
Classification: Likely benign for Marfan syndrome; Familial thoracic aortic aneurysm and aortic dissection. Last evaluated: 2025-03-13. Review status: criteria provided, single submitter. Criteria: Invitae Variant Classification Sherloc (09022015). Collection method: clinical testing. Allele origin: germline.

All of Us Research Program, National Institutes of Health
Classification: Likely benign for Marfan syndrome. Last evaluated: 2024-07-29. Review status: criteria provided, single submitter. Criteria: ACMG Guidelines, 2015. Collection method: clinical testing. Allele origin: germline. Inheritance: Autosomal dominant inheritance. Observed: 4 variant alleles, 4 heterozygotes.
Comment: This study involves interpretation of variants in research participants for the purpose of population health screening. Participant phenotype was not available at the time of variant classification. Additional details can be found in publication PMID: 35346344, PMCID: PMC8962531

Color Diagnostics, LLC DBA Color Health
Classification: Likely benign for Familial thoracic aortic aneurysm and aortic dissection. Last evaluated: 2023-06-20. Review status: criteria provided, single submitter. Criteria: ACMG Guidelines, 2015. Collection method: clinical testing. Allele origin: germline.